The following is an entry in ClinVar:

ClinVar aggregate classification (germline): Conflicting classifications of pathogenicity. Review status: criteria provided, conflicting classifications (1 of 4 stars). 5 submissions from 5 submitters: Likely pathogenic (1); Uncertain significance (2). 2 of the submissions do not count toward it. Last evaluated 2025-10-11.

Conditions:
Shwachman syndrome. Also called: Shwachman-Diamond Syndrome; PANCREATIC INSUFFICIENCY AND BONE MARROW DYSFUNCTION; SHWACHMAN-BODIAN SYNDROME. Identifiers: Orphanet 811, MedGen C0272170, MONDO:0009833.
Shwachman-Diamond syndrome 2. Identifiers: MedGen C4693704, MONDO:0044205, OMIM 617941.

Allele frequency attached by ClinVar (database versions not stated): ExAC 0.00002; gnomAD exomes 0.00002 and 0.00003; TOPMed 0.00002; gnomAD 0.00003 and 0.00004; ESP Exome Variant Server 0.00008.
gnomAD v4.1: 40 of 1,614,088 alleles (0.0025%); highest among the groups gnomAD compares: Non-Finnish European, 0.0031%; no homozygotes.

Submissions (5):

Labcorp Genetics (formerly Invitae), Labcorp
Classification: Likely pathogenic. Last evaluated: 2025-10-11. Review status: criteria provided, single submitter. Criteria: Invitae Variant Classification Sherloc (09022015). Collection method: clinical testing. Allele origin: germline.
Comment: This sequence change replaces arginine, which is basic and polar, with glutamine, which is neutral and polar, at codon 1095 of the EFL1 protein (p.Arg1095Gln). This variant is present in population databases (rs376095522, gnomAD 0.006%). This missense change has been observed in individuals with EFL1-related conditions (PMID: 28331068). It has also been observed to segregate with disease in related individuals. ClinVar contains an entry for this variant (Variation ID: 522584). Invitae Evidence Modeling of protein sequence and biophysical properties (such as structural, functional, and spatial information, amino acid conservation, physicochemical variation, residue mobility, and thermodynamic stability) indicates that this missense variant is expected to disrupt EFL1 protein function with a positive predictive value of 80%. Experimental studies have shown that this missense change affects EFL1 function (PMID: 28331068). In summary, the currently available evidence indicates that the variant is pathogenic, but additional data are needed to prove that conclusively. Therefore, this variant has been classified as Likely Pathogenic.

Broad Center for Mendelian Genomics, Broad Institute of MIT and Harvard
Classification: Uncertain significance for Shwachman syndrome. Last evaluated: 2025-01-08. Review status: criteria provided, single submitter. Criteria: ACMG Guidelines, 2015. Collection method: curation. Allele origin: germline. Inheritance: Autosomal recessive inheritance.
Comment: The p.Arg1095Gln variant in EFL1 has been reported in 3 individuals with Shwachman-Diamond syndrome (PMID: 28331068), segregated with disease in 1 affected relative from 1 family (PMID: 28331068), and has been identified in 0.003% (37/1180048) of European (non-Finnish) chromosomes by the Genome Aggregation Database (gnomAD; dbSNP rs376095522). Although this variant has been seen in the general population in a heterozygous state, its frequency is low enough to be consistent with a recessive carrier frequency. This variant has also been reported in ClinVar (Variation ID: 522584) and has been interpreted as pathogenic by OMIM and a variant of unknown significance by Swiss Institute of Bioinformatics. Of the 3 affected individuals, all were homozygotes, which increases the likelihood that the p.Arg1095Gln variant is pathogenic (PMID: 28331068). In vitro functional studies provide some evidence that the p.Arg1095Gln variant may slightly impact protein function (PMID: 28331068). However, these types of assays may not accurately represent biological function. Computational computation tools and conservation analyses suggest that this variant may impact the protein, though this information is not predictive enough to determine pathogenicity. Furthermore, although this gene has been reported in association with Shwachman-Diamond syndrome, it currently has moderate evidence for these associations. In summary, while there is some suspicion for a pathogenic role, the clinical significance of this variant is uncertain.

SIB Swiss Institute of Bioinformatics
Classification: Uncertain significance for Shwachman-Diamond syndrome 2. Last evaluated: 2018-10-15. Review status: criteria provided, single submitter. Criteria: ACMG Guidelines, 2015. Collection method: curation. Allele origin: germline.
Comment: This variant is interpreted as Uncertain Significance - Insufficient Evidence, for Shwachman-Diamond syndrome 2, autosomal recessive. The following ACMG Tag(s) were applied: PM2 => Absent from controls (or at extremely low frequency if recessive) in Exome Sequencing Project, 1000 Genomes Project, or Exome Aggregation Consortium. PP1 => Cosegregation with disease in multiple affected family members in a gene definitively known to cause the disease (PubMed 28331068). PP3 => Multiple lines of computational evidence support a deleterious effect on the gene or gene product.

OMIM
Classification: Pathogenic for SHWACHMAN-DIAMOND SYNDROME 2. Last evaluated: 2018-04-19. Review status: no assertion criteria provided. Collection method: literature only. Allele origin: germline. Not counted in ClinVar's aggregate classification.

GeneReviews
No classification provided. Condition: Shwachman-Diamond syndrome 2. Review status: no classification provided. Collection method: literature only. Allele origin: germline. Not counted in ClinVar's aggregate classification.

Literature cited by the submitters: PubMed 28331068 (cited by 4 submitters).

NM_024580.6(EFL1):c.3284G>A (p.Arg1095Gln)

Gene: EFL1 (elongation factor like GTPase 1; minus strand). Cytogenetic location: 15q25.2.
Variant type: single nucleotide variant.
Coding change: c.3284G>A on transcript NM_024580.6 (MANE Select); coding-DNA position 3284, G replaced by A.
Protein change: p.Arg1095Gln; replaces arginine 1095 with glutamine.
Molecular consequence: missense variant. On other transcripts: non-coding transcript variant (1).
Genome position (GRCh38, 1-based): chr15:82,130,452, C>T on the plus strand (G>A on the coding strand, the complement: EFL1 is on the minus strand). VCF-style: chr15-82130452-C-T. GRCh37 (hg19) VCF-style: chr15-82422793-C-T.
Other names: NM_024580.6(EFL1):c.3284G>A; p.Arg1095Gln; c.3131G>A, p.Arg1044Gln (NM_001040610.3); c.2495G>A, p.Arg832Gln (NM_001322844.2); c.3284G>A, p.Arg1095Gln (NM_001322845.2); short protein forms R1095Q, R1044Q, R832Q.
Identifiers: ClinVar variation 522584 (VCV000522584.6), dbSNP rs376095522, ClinGen allele CA7697593.
Genomic context (GRCh38, chr15:82,130,452, plus strand): 5'-GTCCTCTGCTTTTCTGCATGCTCCACAATCTTTTCTTCCACATAAAGCCCCTTCCGCTTT[C>T]GTACTGCGTTCATGTACTTCCGGGCTTGGTTCTCAGAGTCAGCCTTCTCCCCAAAGTGCA-3'
Protein context (NP_078856.4, residues 1085-1105): NQARKYMNAV[Arg1095Gln]KRKGLYVEEK